The following is an entry in ClinVar:

ClinVar aggregate classification (germline): Likely pathogenic. Review status: criteria provided, multiple submitters, no conflicts (2 of 4 stars). 3 submissions from 3 submitters: Likely pathogenic (3). Last evaluated 2025-08-26.

Conditions:
WFS1-related disorder. Identifiers: MedGen CN379391, MONDO:0700293.
Wolfram syndrome 1 (WFS1). Identifiers: Orphanet 3463, MedGen C4551693, MONDO:0009101, OMIM 222300.

Submissions (3):

Victorian Clinical Genetics Services, Murdoch Childrens Research Institute
Classification: Likely pathogenic for Wolfram syndrome 1. Last evaluated: 2025-08-26. Review status: criteria provided, single submitter. Criteria: ACMG Guidelines, 2015. Collection method: clinical testing. Allele origin: germline. Affected: yes.
Comment: This variant is classified as Likely pathogenic. Evidence in support of pathogenic classification: Variant is absent from gnomAD (v2, v3 and v4); This variant has moderate previous evidence of pathogenicity in unrelated individuals. This variant has been classified as likely pathogenic by a clinical laboratory in ClinVar. Additionally, it has been reported in three homozygous individuals in the literature with Wolfram syndrome (PMID: 27412528, 39632404, 31276222); Missense variant predicted to be damaging by in silico tool(s) or highly conserved with a major amino acid change. Additional information: Variant is predicted to result in a missense amino acid change from Thr to Ile; This variant is heterozygous; This gene is associated with both recessive and dominant disease. Both deafness 6/14/38 (MIM#600965) and Wolfram-like syndrome (MIM#614296) are inherited in an autosomal dominant manner, while Wolfram syndrome 1 (MIM#222300) is autosomal recessive. A clear genotype-phenotype correlation is currently unestablished; No published functional evidence has been identified for this variant; Another missense variant(s) comparable to the one identified in this case has inconclusive previous evidence for pathogenicity. p.(Thr337Ala) has been classified as a VUS by a clinical laboratory in ClinVar; Variant is not located in an established domain, motif, hotspot or informative constraint region; Loss of function is a known mechanism of disease in this gene and is associated with autosomal recessive Wolfram syndrome (MIM#222300). Dominant-negative is suggested for heterozygous missense variants causing autosomal dominant Wolfram-like syndrome (MIM#614296) (PMID: 32219690); Inheritance information for this variant is not currently available in this individual.

Labcorp Genetics (formerly Invitae), Labcorp
Classification: Likely pathogenic. Last evaluated: 2022-03-12. Review status: criteria provided, single submitter. Criteria: Invitae Variant Classification Sherloc (09022015). Collection method: clinical testing. Allele origin: germline.
Comment: This variant is not present in population databases (gnomAD no frequency). This sequence change replaces threonine, which is neutral and polar, with isoleucine, which is neutral and non-polar, at codon 337 of the WFS1 protein (p.Thr337Ile). This missense change has been observed in individual(s) with clinical features of Wolfram syndrome (PMID: 27412528, 31276222; Invitae). In summary, the currently available evidence indicates that the variant is pathogenic, but additional data are needed to prove that conclusively. Therefore, this variant has been classified as Likely Pathogenic. Algorithms developed to predict the effect of missense changes on protein structure and function are either unavailable or do not agree on the potential impact of this missense change (SIFT: "Deleterious"; PolyPhen-2: "Probably Damaging"; Align-GVGD: "Class C0").

Blueprint Genetics
Classification: Likely pathogenic for WFS1-related disorders. Last evaluated: 2019-09-04. Review status: criteria provided, single submitter. Criteria: ACMG Guidelines, 2015. Collection method: clinical testing. Allele origin: germline. Affected: yes. Observed: 1 variant allele.

Literature cited by the submitters: PubMed 27412528 (cited by Victorian Clinical Genetics Services, Murdoch Childrens Research Institute and Labcorp Genetics (formerly Invitae), Labcorp); PubMed 32219690 (cited by Victorian Clinical Genetics Services, Murdoch Childrens Research Institute); PubMed 31276222 (cited by Victorian Clinical Genetics Services, Murdoch Childrens Research Institute and Labcorp Genetics (formerly Invitae), Labcorp); PubMed 39632404 (cited by Victorian Clinical Genetics Services, Murdoch Childrens Research Institute).

NM_006005.3(WFS1):c.1010C>T (p.Thr337Ile)

Gene: WFS1 (wolframin ER transmembrane glycoprotein; plus strand). Cytogenetic location: 4p16.1.
Variant type: single nucleotide variant.
Coding change: c.1010C>T on transcript NM_006005.3 (MANE Select); coding-DNA position 1010, C replaced by T.
Protein change: p.Thr337Ile; replaces threonine 337 with isoleucine.
Molecular consequence: missense variant.
Genome position (GRCh38, 1-based): chr4:6,300,805, C>T. VCF-style: chr4-6300805-C-T. GRCh37 (hg19) VCF-style: chr4-6302532-C-T.
Other names: c.1010C>T, p.Thr337Ile (NM_001145853.1); short protein forms T337I.
Identifiers: ClinVar variation 2203515 (VCV002203515.7), dbSNP rs2474192449, ClinGen allele CA356174066.
Genomic context (GRCh38, chr4:6,300,805, plus strand): 5'-CCATCATCCCCACGCACCACATCAACGCGCTCATCTTCTTCTTCATCGTCAGCAACCTCA[C>T]CATCGACTTCTTCGCCTTCTTCATCCCGCTGGTCATCTTCTACCTGTCCTTCATCTCCAT-3'
Protein context (NP_005996.2, residues 327-347): LIFFFIVSNL[Thr337Ile]IDFFAFFIPL